The following is an entry in ClinVar:

NM_001374736.1(DST):c.16932del (p.Glu5645fs)

Gene: DST (dystonin; minus strand). Cytogenetic location: 6p12.1.
Variant type: Deletion.
Coding change: c.16932del on transcript NM_001374736.1 (MANE Select); coding-DNA position 16932, one base deleted (A; older notation c.16932delA).
Protein change: p.Glu5645fs; shifts the reading frame from glutamic acid 5645.
Molecular consequence: frameshift variant.
Genome position (GRCh38, 1-based): chr6:56,535,131, T deleted on the plus strand (A on the coding strand, the reverse complement: DST is on the minus strand); the first of 2 consecutive T bases (chr6:56,535,131-56,535,132); deleting either gives the same sequence. VCF-style (leftmost placement, unchanged base first): chr6-56535130-CT-C. GRCh37 (hg19) VCF-style: chr6-56399928-CT-C.
Other names: c.10575del, p.Glu3526fs (NM_001144769.5); c.10161del, p.Glu3388fs (NM_001144770.2); c.16932del, p.Glu5645fs (NM_001374722.1); c.16299del, p.Glu5434fs (NM_001374729.1); c.10041del, p.Glu3348fs (NM_001374730.1, NM_001386100.1, NM_183380.4); c.16959del, p.Glu5654fs (NM_001374734.1); c.9063del, p.Glu3022fs (NM_015548.5); short protein forms E3526fs, E5434fs, E3388fs, E5654fs, E3022fs, E3348fs, E5645fs.
Identifiers: ClinVar variation 1998878 (VCV001998878.4), dbSNP rs2534940448, ClinGen allele CA2580075557.

ClinVar aggregate classification (germline): Pathogenic (1 of 4 stars; one submission).

Conditions:
Epidermolysis bullosa simplex 3, localized or generalized intermediate, with BP230 deficiency (EBS3). Also called: Epidermolysis bullosa simplex, autosomal recessive 2; Epidermolysis bullosa simplex due to BP230 deficiency. Identifiers: Orphanet 412181, MedGen C3809470, MONDO:0014180, OMIM 615425.
Hereditary sensory and autonomic neuropathy type 6. Also called: Neuropathy, hereditary sensory and autonomic, type VI; HSAN VI. Identifiers: Orphanet 314381, MedGen C3539003, MONDO:0013839, OMIM 614653.

Submission:

Labcorp Genetics (formerly Invitae), Labcorp
Classification: Pathogenic for Epidermolysis bullosa simplex 3, localized or generalized intermediate, with BP230 deficiency; Hereditary sensory and autonomic neuropathy type 6. Last evaluated: 2022-05-25. Review status: criteria provided, single submitter. Criteria: Invitae Variant Classification Sherloc (09022015). Collection method: clinical testing. Allele origin: germline.
Comment: The DST gene has multiple clinically relevant transcripts. This variant occurs in alternate transcript NM_015548.4, and corresponds to NM_001723.5:c.*80386del in the primary transcript. This sequence change creates a premature translational stop signal (p.Glu3022Asnfs*18) in the DST gene. It is expected to result in an absent or disrupted protein product. Loss-of-function variants in DST are known to be pathogenic (PMID: 22522446, 25059916, 30371979). This variant is not present in population databases (gnomAD no frequency). This variant has not been reported in the literature in individuals affected with DST-related conditions. For these reasons, this variant has been classified as Pathogenic.

Literature cited by the submitters: PubMed 22522446; PubMed 25059916; PubMed 30371979.